The following is an entry in ClinVar:

NM_001267550.2(TTN):c.101027del (p.Gly33676fs)

Genes: TTN-AS1 (TTN antisense RNA 1; plus strand), TTN (titin; minus strand). Cytogenetic location: 2q31.2.
Variant type: Deletion.
Coding change: c.101027del on transcript NM_001267550.2 (MANE Select); coding-DNA position 101027, one base deleted (G; older notation c.101027delG).
Protein change: p.Gly33676fs; shifts the reading frame from glycine 33676.
Molecular consequence: frameshift variant.
Genome position (GRCh38, 1-based): chr2:178,535,588, C deleted on the plus strand (G on the coding strand, the reverse complement: TTN is on the minus strand); the first of 2 consecutive C bases (chr2:178,535,588-178,535,589); deleting either gives the same sequence. VCF-style (leftmost placement, unchanged base first): chr2-178535587-TC-T. GRCh37 (hg19) VCF-style: chr2-179400314-TC-T.
Other names: c.96104del, p.Gly32035fs (NM_001256850.1); c.73832del, p.Gly24611fs (NM_003319.4); c.93323del, p.Gly31108fs (NM_133378.4); c.74207del, p.Gly24736fs (NM_133432.3); c.74408del, p.Gly24803fs (NM_133437.4); short protein forms G24611fs, G24736fs, G24803fs, G31108fs, G32035fs, G33676fs.
Identifiers: ClinVar variation 1068187 (VCV001068187.9), dbSNP rs2154136770, ClinGen allele CA430237994.

ClinVar aggregate classification (germline): Likely pathogenic (1 of 4 stars; one submission).

Conditions:
Dilated cardiomyopathy 1G (CMD1G). Identifiers: Orphanet 154, MedGen C1858763, MONDO:0011400, OMIM 604145.
Autosomal recessive limb-girdle muscular dystrophy type 2J (LGMDR10). Also called: Limb-girdle muscular dystrophy, type 2J; MUSCULAR DYSTROPHY, LIMB-GIRDLE, AUTOSOMAL RECESSIVE 10. Identifiers: Orphanet 140922, MedGen C1837342, MONDO:0012127, OMIM 608807.

Submission:

Labcorp Genetics (formerly Invitae), Labcorp
Classification: Likely pathogenic for Dilated cardiomyopathy 1G; Autosomal recessive limb-girdle muscular dystrophy type 2J. Last evaluated: 2023-12-06. Review status: criteria provided, single submitter. Criteria: Invitae Variant Classification Sherloc (09022015). Collection method: clinical testing. Allele origin: germline.
Comment: This sequence change creates a premature translational stop signal (p.Gly33676Glufs*33) in the TTN gene. While this is not anticipated to result in nonsense mediated decay, it is expected to create a truncated TTN protein. This variant is not present in population databases (gnomAD no frequency). This variant has not been reported in the literature in individuals affected with TTN-related conditions. ClinVar contains an entry for this variant (Variation ID: 1068187). This variant is located in the M band of TTN (PMID: 25589632). Truncating variants in this region have been previously reported in individuals affected with autosomal recessive myopathy and muscular dystrophy (PMID: 18948003, 23975875, 24395473). Truncating variants in this region have also been identified in individuals affected with autosomal dominant dilated cardiomyopathy and/or cardio-related conditions (PMID: 27869827, 32964742). In summary, the currently available evidence indicates that the variant is pathogenic, but additional data are needed to prove that conclusively. Therefore, this variant has been classified as Likely Pathogenic.

Literature cited by the submitters: PubMed 25589632; PubMed 18948003; PubMed 23975875; PubMed 24395473; PubMed 27869827; PubMed 32964742.